The following is an entry in ClinVar:

ClinVar aggregate classification (germline): Pathogenic (1 of 4 stars; one submission).

Conditions:
Cockayne spectrum with or without cerebrooculofacioskeletal syndrome. Identifiers: MedGen CN315928, MONDO:0100506.

Submission:

Myriad Genetics, Inc.
Classification: Pathogenic for Cockayne spectrum with or without cerebrooculofacioskeletal syndrome. Last evaluated: 2024-03-21. Review status: criteria provided, single submitter. Criteria: Myriad Autosomal Dominant, Autosomal Recessive and X-Linked Classification Criteria (2023). Collection method: clinical testing. Allele origin: unknown.
Comment: NM_000124.2(ERCC6):c.1545_1546dupTA(R516Ifs*28) is expected to be pathogenic in the context of ERCC6-related disorders. This variant is predicted to lead to an abnormal or absent protein product due to the creation of a premature termination codon in ERCC6, a gene where loss-of-function variants are known to be pathogenic. Please note: this variant was assessed in the context of healthy population screening.

NM_000124.4(ERCC6):c.1545_1546dup (p.Arg516fs)

Gene: ERCC6 (ERCC excision repair 6, chromatin remodeling factor; minus strand). Cytogenetic location: 10q11.23.
Variant type: Duplication.
Coding change: c.1545_1546dup on transcript NM_000124.4 (MANE Select); coding-DNA positions 1545 to 1546, 2 bases duplicated (TA; older notation c.1545_1546dupTA).
Protein change: p.Arg516fs; shifts the reading frame from arginine 516.
Molecular consequence: frameshift variant.
Genome position (GRCh38, 1-based): chr10:49,500,677-49,500,678, TA duplicated on the plus strand (TA on the coding strand, the reverse complement: ERCC6 is on the minus strand). VCF-style (leftmost placement, unchanged base first): chr10-49500676-C-CTA. GRCh37 (hg19) VCF-style: chr10-50708722-C-CTA.
Other names: c.1545_1546dup, p.Arg516fs (NM_001346440.2); short protein forms R516fs.
Identifiers: ClinVar variation 5012842 (VCV005012842.1).